The following is an entry in ClinVar:

ClinVar aggregate classification (germline): Likely benign. Review status: criteria provided, multiple submitters, no conflicts (2 of 4 stars). 2 submissions from 2 submitters: Likely benign (2). Last evaluated 2026-09-03.

Conditions:
ABCD3-related disorder. Also called: ABCD3-related condition.

Allele frequency attached by ClinVar (database versions not stated): gnomAD exomes below 0.00001; ExAC 0.00001; gnomAD 0.00001; TOPMed 0.00001.
gnomAD v4.1: 3 of 1,613,664 alleles (0.00019%); highest among the groups gnomAD compares: African/African-American, 0.0027%; no homozygotes.

Submissions (2):

PreventionGenetics, part of Exact Sciences
Classification: Likely benign for ABCD3-related condition. Last evaluated: 2026-09-03. Review status: criteria provided, single submitter. Criteria: ACMG Guidelines, 2015. Collection method: clinical testing. Allele origin: germline.
Comment: This variant is classified as likely benign based on ACMG/AMP sequence variant interpretation guidelines (Richards et al. 2015 PMID: 25741868, with internal and published modifications).

Labcorp Genetics (formerly Invitae), Labcorp
Classification: Likely benign. Last evaluated: 2022-05-06. Review status: criteria provided, single submitter. Criteria: Invitae Variant Classification Sherloc (09022015). Collection method: clinical testing. Allele origin: germline.

NM_002858.4(ABCD3):c.1465-7T>C

Gene: ABCD3 (ATP binding cassette subfamily D member 3; plus strand). Cytogenetic location: 1p21.3.
Variant type: single nucleotide variant.
Coding change: c.1465-7T>C on transcript NM_002858.4 (MANE Select); 7 bases into the intron before coding-DNA position 1465, T replaced by C.
Molecular consequence: intron variant.
Genome position (GRCh38, 1-based): chr1:94,498,776, T>C. VCF-style: chr1-94498776-T-C. GRCh37 (hg19) VCF-style: chr1-94964332-T-C.
Other names: c.1465-7T>C (NM_002858.3).
Identifiers: ClinVar variation 1917401 (VCV001917401.6), dbSNP rs746687221, ClinGen allele CA960469.